The following is an entry in ClinVar:

ClinVar aggregate classification (germline): Likely benign. Review status: criteria provided, multiple submitters, no conflicts (2 of 4 stars). 2 submissions from 2 submitters: Likely benign (2). Last evaluated 2025-07-01.

Allele frequency attached by ClinVar (database versions not stated): gnomAD exomes below 0.00001.
gnomAD v4.1: 2 of 1,613,690 alleles (0.00012%); highest among the groups gnomAD compares: Non-Finnish European, 0.00017%; no homozygotes.

Submissions (2):

CeGaT Center for Human Genetics Tuebingen
Classification: Likely benign. Last evaluated: 2025-07-01. Review status: criteria provided, single submitter. Criteria: CeGaT Center For Human Genetics Tuebingen Variant Classification Criteria Version 2. Collection method: clinical testing. Allele origin: germline. Affected: yes. Observed: 1 variant allele.
Comment: GFM1: BP4, BP7

Labcorp Genetics (formerly Invitae), Labcorp
Classification: Likely benign. Last evaluated: 2023-11-27. Review status: criteria provided, single submitter. Criteria: Invitae Variant Classification Sherloc (09022015). Collection method: clinical testing. Allele origin: germline.

NM_024996.7(GFM1):c.2178C>T (p.Ser726=)

Gene: GFM1 (G elongation factor mitochondrial 1; plus strand). Cytogenetic location: 3q25.32.
Variant type: single nucleotide variant.
Coding change: c.2178C>T on transcript NM_024996.7 (MANE Select); coding-DNA position 2178, C replaced by T.
Protein change: p.Ser726=; no amino-acid change (serine 726 retained).
Molecular consequence: synonymous variant. On other transcripts: non-coding transcript variant (4).
Genome position (GRCh38, 1-based): chr3:158,691,389, C>T. VCF-style: chr3-158691389-C-T. GRCh37 (hg19) VCF-style: chr3-158409178-C-T.
Other names: c.2235C>T, p.Ser745= (NM_001308164.2); c.2097C>T, p.Ser699= (NM_001374355.1); c.2061C>T, p.Ser687= (NM_001374356.1); c.1953C>T, p.Ser651= (NM_001374357.1); c.1719C>T, p.Ser573= (NM_001374358.1); c.1611C>T, p.Ser537= (NM_001374359.1); c.1557C>T, p.Ser519= (NM_001374360.1); c.1494C>T, p.Ser498= (NM_001374361.1).
Identifiers: ClinVar variation 1136150 (VCV001136150.17), dbSNP rs2108120278, ClinGen allele CA436490934.